The following is an entry in ClinVar:

ClinVar aggregate classification (germline): Uncertain significance (1 of 4 stars; one submission).

Submission:

GeneDx
Classification: Uncertain significance. Last evaluated: 2022-04-08. Review status: criteria provided, single submitter. Criteria: GeneDx Variant Classification Process June 2021. Collection method: clinical testing. Allele origin: germline. Affected: yes.
Comment: Not observed at significant frequency in large population cohorts (gnomAD); In silico analysis supports that this missense variant has a deleterious effect on protein structure/function; Has not been previously published as pathogenic or benign to our knowledge

NM_021120.4(DLG3):c.1478C>G (p.Ser493Cys)

Gene: DLG3 (discs large MAGUK scaffold protein 3; plus strand). Cytogenetic location: Xq13.1.
Variant type: single nucleotide variant.
Coding change: c.1478C>G on transcript NM_021120.4 (MANE Select); coding-DNA position 1478, C replaced by G.
Protein change: p.Ser493Cys; replaces serine 493 with cysteine.
Molecular consequence: missense variant.
Genome position (GRCh38, 1-based): chrX:70,479,222, C>G. VCF-style: chrX-70479222-C-G. GRCh37 (hg19) VCF-style: chrX-69699072-C-G.
Other names: c.29C>G, p.Ser10Cys (NM_001166278.2); c.467C>G, p.Ser156Cys (NM_020730.3); short protein forms S10C, S156C, S493C.
Identifiers: ClinVar variation 1708902 (VCV001708902.2), dbSNP rs2519813983, ClinGen allele CA413457278.
Genomic context (GRCh38, chrX:70,479,222, plus strand): 5'-TTGAATCGAAGATACATGACTTACGAGAACAAATGATGAACAGCAGCATGAGCTCTGGGT[C>G]TGGGTCCCTCCGAACAAGTGAAAAGAGGTCCTTGTATGTCAGGTAAGTTGCCCTTCAGAG-3'
Protein context (NP_066943.2, residues 483-503): QMMNSSMSSG[Ser493Cys]GSLRTSEKRS